The following is an entry in ClinVar:

ClinVar aggregate classification (germline): Uncertain significance (1 of 4 stars; one submission).

Submission:

GeneDx
Classification: Uncertain significance. Last evaluated: 2023-04-10. Review status: criteria provided, single submitter. Criteria: GeneDx Variant Classification Process June 2021. Collection method: clinical testing. Allele origin: germline. Affected: yes.
Comment: Not observed at significant frequency in large population cohorts (gnomAD); In silico analysis supports that this missense variant does not alter protein structure/function; Has not been previously published as pathogenic or benign to our knowledge

NM_001190274.2(FBXO11):c.97C>T (p.Pro33Ser)

Genes: FBXO11 (F-box protein 11; minus strand), LOC100506235 (uncharacterized LOC100506235; plus strand). Cytogenetic location: 2p16.3.
Variant type: single nucleotide variant.
Coding change: c.97C>T on transcript NM_001190274.2 (MANE Select); coding-DNA position 97, C replaced by T.
Protein change: p.Pro33Ser; replaces proline 33 with serine.
Molecular consequence: missense variant. On other transcripts: non-coding transcript variant (1).
Genome position (GRCh38, 1-based): chr2:47,905,624, G>A on the plus strand (C>T on the coding strand, the complement: FBXO11 is on the minus strand). VCF-style: chr2-47905624-G-A. GRCh37 (hg19) VCF-style: chr2-48132763-G-A.
Other names: short protein forms P33S.
Identifiers: ClinVar variation 2662060 (VCV002662060.1), dbSNP rs2528155272, ClinGen allele CA346812821.
Genomic context (GRCh38, chr2:47,905,624, plus strand): 5'-GCTGCTGCTGCGGCGGCGGCGGAGGCTGCTGCTGGGGCGGCTGCTGCTGGGGCGGCTGCG[G>A]CGGCGGCTGCTGCGGGGGCTGCTGCTGCTGTTGCTGCACCGGGCGCGGCCGCGACACTCG-3'
Protein context (NP_001177203.1, residues 23-43): QQQQPPQQPP[Pro33Ser]QPPQQQPPQQ